The following is an entry in ClinVar:

NM_013275.6(ANKRD11):c.6569_6609dup (p.Glu2204fs)

Gene: ANKRD11 (ankyrin repeat domain 11; minus strand). Cytogenetic location: 16q24.3.
Variant type: Duplication.
Coding change: c.6569_6609dup on transcript NM_013275.6 (MANE Select); coding-DNA positions 6569 to 6609, 41 bases duplicated.
Protein change: p.Glu2204fs; shifts the reading frame from glutamic acid 2204.
Molecular consequence: frameshift variant.
Genome position (GRCh38, 1-based): chr16:89,279,933-89,279,973, 41 bases duplicated; duplicating any 41 consecutive bases within chr16:89,279,933-89,279,974 gives the same sequence; the c. name uses the placement nearest the transcript's 3' end. GRCh37 (hg19): chr16:89,346,342-89,346,382.
Other names: c.6569_6609dup, p.Glu2204fs (NM_001256182.2, NM_001256183.2); short protein forms E2204fs.
Identifiers: ClinVar variation 1375357 (VCV001375357.6), dbSNP rs2151735043, ClinGen allele CA2573152860.
Genomic context (GRCh38, chr16:89,279,932, plus strand): 5'-CCGCCTCCACCGCAGCTTCTAGAGCCACGTCCAGCTTTGGCTCCCCTGAGGGCTCAGGCT[C>CGAGCTCTGCAGGGAGCCGGGTGGAGGCCTGGTCAGGAGGCA]GAGCTCTGCAGGGAGCCGGGTGGAGGCCTGGTCAGGAGGCAGTGCCGGCGGCTCCTCAGC-3'

ClinVar aggregate classification (germline): Pathogenic (1 of 4 stars; one submission).

Conditions:
KBG syndrome (KBGS). Also called: ANKRD11-Related KBG Syndrome. Identifiers: Orphanet 2332, MedGen C0220687, MONDO:0007846, OMIM 148050.

Submission:

Labcorp Genetics (formerly Invitae), Labcorp
Classification: Pathogenic for KBG syndrome. Last evaluated: 2021-11-20. Review status: criteria provided, single submitter. Criteria: Invitae Variant Classification Sherloc (09022015). Collection method: clinical testing. Allele origin: germline.
Comment: For these reasons, this variant has been classified as Pathogenic. Algorithms developed to predict the effect of sequence changes on RNA splicing suggest that this variant may create or strengthen a splice site. This variant has not been reported in the literature in individuals affected with ANKRD11-related conditions. This variant is not present in population databases (gnomAD no frequency). This sequence change creates a premature translational stop signal (p.Glu2204Cysfs*28) in the ANKRD11 gene. It is expected to result in an absent or disrupted protein product. Loss-of-function variants in ANKRD11 are known to be pathogenic (PMID: 21782149, 25125236, 25413698, 25652421).

Literature cited by the submitters: PubMed 21782149; PubMed 25125236; PubMed 25413698; PubMed 25652421.